The following is an entry in ClinVar:

ClinVar aggregate classification (germline): Uncertain significance (1 of 4 stars; one submission).

Conditions:
Renal cell carcinoma. Identifiers: Orphanet 217071, MedGen C0007134, MeSH D002292, MONDO:0005086, HP:0005584.

gnomAD v4.1: 1 of 1,613,946 alleles (0.000062%); highest among the groups gnomAD compares: Non-Finnish European, 0.000085%; no homozygotes.

Submission:

Labcorp Genetics (formerly Invitae), Labcorp
Classification: Uncertain significance for Renal cell carcinoma. Last evaluated: 2022-06-19. Review status: criteria provided, single submitter. Criteria: Invitae Variant Classification Sherloc (09022015). Collection method: clinical testing. Allele origin: germline.
Comment: In summary, the available evidence is currently insufficient to determine the role of this variant in disease. Therefore, it has been classified as a Variant of Uncertain Significance. Algorithms developed to predict the effect of missense changes on protein structure and function (SIFT, PolyPhen-2, Align-GVGD) all suggest that this variant is likely to be tolerated. This variant has not been reported in the literature in individuals affected with MET-related conditions. This variant is not present in population databases (gnomAD no frequency). This sequence change replaces threonine, which is neutral and polar, with serine, which is neutral and polar, at codon 1010 of the MET protein (p.Thr1010Ser).

NM_000245.4(MET):c.2974A>T (p.Thr992Ser)

Gene: MET (MET proto-oncogene, receptor tyrosine kinase; plus strand). Cytogenetic location: 7q31.2.
Variant type: single nucleotide variant.
Coding change: c.2974A>T on transcript NM_000245.4 (MANE Select); coding-DNA position 2974, A replaced by T.
Protein change: p.Thr992Ser; replaces threonine 992 with serine.
Molecular consequence: missense variant.
Genome position (GRCh38, 1-based): chr7:116,771,935, A>T. VCF-style: chr7-116771935-A-T. GRCh37 (hg19) VCF-style: chr7-116411989-A-T.
Other names: c.3028A>T, p.Thr1010Ser (NM_001127500.3); c.1684A>T, p.Thr562Ser (NM_001324402.2); short protein forms T992S, T1010S, T562S.
Identifiers: ClinVar variation 2008516 (VCV002008516.4), dbSNP rs774433287, ClinGen allele CA368987276.
Genomic context (GRCh38, chr7:116,771,935, plus strand): 5'-GATGCAAGAGTACACACTCCTCATTTGGATAGGCTTGTAAGTGCCCGAAGTGTAAGCCCA[A>T]CTACAGAAATGGTTTCAAATGAATCTGTAGACTACCGAGCTACTTTTCCAGAAGGTATAT-3'
Protein context (NP_000236.2, residues 982-1002): RLVSARSVSP[Thr992Ser]TEMVSNESVD